The following is an entry in ClinVar:

NM_022124.6(CDH23):c.8707C>T (p.Gln2903Ter)

Gene: CDH23 (cadherin related 23; plus strand). Cytogenetic location: 10q22.1.
Variant type: single nucleotide variant.
Coding change: c.8707C>T on transcript NM_022124.6 (MANE Select); coding-DNA position 8707, C replaced by T.
Protein change: p.Gln2903Ter; replaces glutamine 2903 with a stop codon.
Molecular consequence: nonsense.
Genome position (GRCh38, 1-based): chr10:71,807,992, C>T. VCF-style: chr10-71807992-C-T. GRCh37 (hg19) VCF-style: chr10-73567749-C-T.
Other names: c.1987C>T, p.Gln663Ter (NM_001171933.1, NM_001171934.1); short protein forms Q2903*, Q663*.
Identifiers: ClinVar variation 4816096 (VCV004816096.1).

ClinVar aggregate classification (germline): Likely pathogenic (1 of 4 stars; one submission).

Conditions:
Usher syndrome type 1 (USH1). Also called: RETINITIS PIGMENTOSA AND CONGENITAL DEAFNESS. Identifiers: Orphanet 231169, Orphanet 886, MedGen C1568247, MONDO:0010168, OMIM 276900.

Submission:

Natera, Inc.
Classification: Likely pathogenic for Usher syndrome type 1. Last evaluated: 2026-01-30. Review status: criteria provided, single submitter. Criteria: Natera Variant Classification Schema (03/2026). Collection method: clinical testing. Allele origin: germline.
Comment: The c.8707C>T variant in CDH23 is a nonsense variant predicted to introduce a stop codon at amino acid 2903. This variant is expected to result in nonsense mediated decay, truncation, or a dysfunctional protein product. This variant is rare in the general population with a frequency below the threshold expected for the associated phenotype(s). Given the available evidence, this variant is classified as Likely Pathogenic.